The following is an entry in ClinVar:

NM_007325.5(GRIA3):c.2451C>A (p.Ser817Arg)

Gene: GRIA3 (glutamate ionotropic receptor AMPA type subunit 3; plus strand). Cytogenetic location: Xq25.
Variant type: single nucleotide variant.
Coding change: c.2451C>A on transcript NM_007325.5 (MANE Select); coding-DNA position 2451, C replaced by A.
Protein change: p.Ser817Arg; replaces serine 817 with arginine.
Molecular consequence: missense variant.
Genome position (GRCh38, 1-based): chrX:123,482,810, C>A. VCF-style: chrX-123482810-C-A. GRCh37 (hg19) VCF-style: chrX-122616661-C-A.
Other names: c.2451C>A, p.Ser817Arg (NM_000828.5); short protein forms S817R.
Identifiers: ClinVar variation 4874248 (VCV004874248.2).

ClinVar aggregate classification (germline): Uncertain significance (1 of 4 stars; one submission).

Submission:

CeGaT Center for Human Genetics Tuebingen
Classification: Uncertain significance. Last evaluated: 2026-05-01. Review status: criteria provided, single submitter. Criteria: CeGaT Center For Human Genetics Tuebingen Variant Classification Criteria Version 2. Collection method: clinical testing. Allele origin: germline. Affected: yes. Observed: 1 variant allele.
Comment: GRIA3: PM2, PP2